The following is an entry in ClinVar:

NC_000012.11:g.(?_14849146)_(15669910_?)dup

Genes: SMCO3 (single-pass membrane protein with coiled-coil domains 3; minus strand), WBP11 (WW domain binding protein 11; minus strand), PTPRO (protein tyrosine phosphatase receptor type O; plus strand), ERP27 (endoplasmic reticulum protein 27; minus strand), C12orf60 (chromosome 12 open reading frame 60; plus strand) and 8 more. Cytogenetic location: 12p12.3.
Variant type: Duplication.
Identifiers: ClinVar variation 1440295 (VCV001440295.1).

ClinVar aggregate classification (germline): Uncertain significance (1 of 4 stars; one submission).

Submission:

Labcorp Genetics (formerly Invitae), Labcorp
Classification: Uncertain significance. Last evaluated: 2021-12-02. Review status: criteria provided, single submitter. Criteria: Invitae Variant Classification Sherloc (09022015). Collection method: clinical testing. Allele origin: germline.
Comment: A copy number gain of the genomic region encompassing the full coding sequence of the MGP gene has been identified. The boundaries of this event are unknown as they extend beyond the assayed region for this gene and therefore may encompass additional genes. As the precise location of this event is unknown, it may be in tandem or it may be located elsewhere in the genome. This variant has not been reported in the literature in individuals affected with MGP-related conditions. In summary, the available evidence is currently insufficient to determine the role of this variant in disease. Therefore, it has been classified as a Variant of Uncertain Significance.